The following is an entry in ClinVar:

NM_005548.3(KARS1):c.1660G>A (p.Val554Ile)

Gene: KARS1 (lysyl-tRNA synthetase 1; minus strand). Cytogenetic location: 16q23.1.
Variant type: single nucleotide variant.
Coding change: c.1660G>A on transcript NM_005548.3 (MANE Select); coding-DNA position 1660, G replaced by A.
Protein change: p.Val554Ile; replaces valine 554 with isoleucine.
Molecular consequence: missense variant.
Genome position (GRCh38, 1-based): chr16:75,628,604, C>T on the plus strand (G>A on the coding strand, the complement: KARS1 is on the minus strand). VCF-style: chr16-75628604-C-T. GRCh37 (hg19) VCF-style: chr16-75662502-C-T.
Other names: c.1744G>A, p.Val582Ile (NM_001130089.2); c.1192G>A, p.Val398Ile (NM_001378148.1); short protein forms V398I, V554I, V582I.
Identifiers: ClinVar variation 1682410 (VCV001682410.6), dbSNP rs1381793007, ClinGen allele CA396809551.

ClinVar aggregate classification (germline): Uncertain significance (1 of 4 stars; one submission).

Allele frequency attached by ClinVar (database versions not stated): gnomAD exomes below 0.00001 and 0.00002.
gnomAD v4.1: 23 of 1,614,100 alleles (0.0014%); highest among the groups gnomAD compares: Non-Finnish European, 0.0019%; no homozygotes.

Submission:

Labcorp Genetics (formerly Invitae), Labcorp
Classification: Uncertain significance. Last evaluated: 2025-03-17. Review status: criteria provided, single submitter. Criteria: Invitae Variant Classification Sherloc (09022015). Collection method: clinical testing. Allele origin: germline.
Comment: This sequence change replaces valine, which is neutral and non-polar, with isoleucine, which is neutral and non-polar, at codon 582 of the KARS protein (p.Val582Ile). This variant is present in population databases (no rsID available, gnomAD 0.0009%). This variant has not been reported in the literature in individuals affected with KARS-related conditions. ClinVar contains an entry for this variant (Variation ID: 1682410). Invitae Evidence Modeling of protein sequence and biophysical properties (such as structural, functional, and spatial information, amino acid conservation, physicochemical variation, residue mobility, and thermodynamic stability) indicates that this missense variant is not expected to disrupt KARS protein function with a negative predictive value of 80%. In summary, the available evidence is currently insufficient to determine the role of this variant in disease. Therefore, it has been classified as a Variant of Uncertain Significance.